The following is an entry in ClinVar:

ClinVar aggregate classification (germline): Uncertain significance (1 of 4 stars; one submission).

Conditions:
Cortical dysplasia-focal epilepsy syndrome (PTHSL1). Also called: Pitt-Hopkins-like syndrome 1. Identifiers: Orphanet 163681, Orphanet 221150, MedGen C2750246, MONDO:0012400, OMIM 610042.

Allele frequency attached by ClinVar (database versions not stated): gnomAD exomes below 0.00001; TOPMed 0.00001.
gnomAD v4.1: 19 of 1,614,086 alleles (0.0012%); highest among the groups gnomAD compares: Middle Eastern, 0.017%; no homozygotes.

Submission:

Labcorp Genetics (formerly Invitae), Labcorp
Classification: Uncertain significance for Cortical dysplasia-focal epilepsy syndrome. Last evaluated: 2022-07-12. Review status: criteria provided, single submitter. Criteria: Invitae Variant Classification Sherloc (09022015). Collection method: clinical testing. Allele origin: germline.
Comment: Algorithms developed to predict the effect of missense changes on protein structure and function output the following: SIFT: "Deleterious"; PolyPhen-2: "Benign"; Align-GVGD: "Class C0". The methionine amino acid residue is found in multiple mammalian species, which suggests that this missense change does not adversely affect protein function. This sequence change replaces valine, which is neutral and non-polar, with methionine, which is neutral and non-polar, at codon 640 of the CNTNAP2 protein (p.Val640Met). This variant is present in population databases (no rsID available, gnomAD 0.0009%). This variant has not been reported in the literature in individuals affected with CNTNAP2-related conditions. ClinVar contains an entry for this variant (Variation ID: 965731). Algorithms developed to predict the effect of sequence changes on RNA splicing suggest that this variant may create or strengthen a splice site. In summary, the available evidence is currently insufficient to determine the role of this variant in disease. Therefore, it has been classified as a Variant of Uncertain Significance.

NM_014141.6(CNTNAP2):c.1918G>A (p.Val640Met)

Gene: CNTNAP2 (contactin associated protein 2; plus strand). Cytogenetic location: 7q35.
Variant type: single nucleotide variant.
Coding change: c.1918G>A on transcript NM_014141.6 (MANE Select); coding-DNA position 1918, G replaced by A.
Protein change: p.Val640Met; replaces valine 640 with methionine.
Molecular consequence: missense variant.
Genome position (GRCh38, 1-based): chr7:147,639,126, G>A. VCF-style: chr7-147639126-G-A. GRCh37 (hg19) VCF-style: chr7-147336218-G-A.
Other names: short protein forms V640M.
Identifiers: ClinVar variation 965731 (VCV000965731.9), dbSNP rs1436303522, ClinGen allele CA369926078.
Genomic context (GRCh38, chr7:147,639,126, plus strand): 5'-TACTAATGATCCAGGGTCCTGGTTGTTTTTCTCCCCACAGAGGACAAAGTGTGGACCATA[G>A]TGTCTCATGACTTGCAGATGCAGACGCCTGTGGTCGGCTACAACCCAGAAAAATACTCAG-3'
Protein context (NP_054860.1, residues 630-650): NMTEDKVWTI[Val640Met]SHDLQMQTPV